The following is an entry in ClinVar:

ClinVar aggregate classification (germline): Conflicting classifications of pathogenicity. Review status: criteria provided, conflicting classifications (1 of 4 stars). 16 submissions from 16 submitters: Uncertain significance (9); Benign (1); Likely benign (5). 1 of the submissions does not count toward it. Last evaluated 2026-09-21.

Conditions:
MYBPC3-related disorder. Also called: MYBPC3-related disorders; MYBPC3-related condition; MYBPC3-related disease.
Cardiovascular phenotype. Identifiers: MedGen CN230736.
Cardiomyopathy (CMYO). Also called: Cardiomyopathies. Identifiers: Orphanet 167848, MedGen C0878544, MONDO:0004994, HP:0001638. Inheritance: Various modes of inheritance.
Primary familial hypertrophic cardiomyopathy (HCM). Identifiers: Orphanet 99739, MedGen C0949658, MeSH D024741, MONDO:0024573. Inheritance: Various modes of inheritance.
Hypertrophic cardiomyopathy. Also called: HYPERTROPHIC MYOCARDIOPATHY. Identifiers: Orphanet 217569, MedGen C0007194, MeSH D002312, MONDO:0005045, HP:0001639.

Allele frequency attached by ClinVar (database versions not stated): ExAC 0.00007; gnomAD exomes 0.00010 and 0.00016; ESP Exome Variant Server 0.00016; TOPMed 0.00016; gnomAD 0.00024 and 0.00025.
gnomAD v4.1: 268 of 1,592,732 alleles (0.017%); highest among the groups gnomAD compares: Non-Finnish European, 0.02%; 2 homozygotes.

Submissions 1 to 12 of 16:

Molecular Diagnostic Laboratory for Inherited Cardiovascular Disease, Montreal Heart Institute
Classification: Uncertain significance for Cardiovascular phenotype. Last evaluated: 2026-09-21. Review status: criteria provided, single submitter. Criteria: ACMG Guidelines, 2015. Collection method: clinical testing. Allele origin: germline. Affected: yes.

Labcorp Genetics (formerly Invitae), Labcorp
Classification: Uncertain significance for Hypertrophic cardiomyopathy. Last evaluated: 2026-02-04. Review status: criteria provided, single submitter. Criteria: Invitae Variant Classification Sherloc (09022015). Collection method: clinical testing. Allele origin: germline.
Comment: This sequence change replaces threonine, which is neutral and polar, with isoleucine, which is neutral and non-polar, at codon 958 of the MYBPC3 protein (p.Thr958Ile). This variant is present in population databases (rs376504548, gnomAD 0.03%), and has an allele count higher than expected for a pathogenic variant. This missense change has been observed in individual(s) with dilated and/or hypertrophic cardiomyopathy (PMID: 15823648, 18957093, 24793961, 25078086, 27532257, 28416588, 38456273). ClinVar contains an entry for this variant (Variation ID: 42664). An algorithm developed to predict the effect of missense changes on protein structure and function (PolyPhen-2) suggests that this variant is likely to be tolerated. In summary, the available evidence is currently insufficient to determine the role of this variant in disease. Therefore, it has been classified as a Variant of Uncertain Significance.

PreventionGenetics, part of Exact Sciences
Classification: Likely benign for MYBPC3-related condition. Last evaluated: 2025-04-30. Review status: criteria provided, single submitter. Criteria: ACMG Guidelines, 2015. Collection method: clinical testing. Allele origin: germline.
Comment: This variant is classified as likely benign based on ACMG/AMP sequence variant interpretation guidelines (Richards et al. 2015 PMID: 25741868, with internal and published modifications).

Laboratory of Genetics, Children's Clinical University Hospital Latvia
Classification: Benign. Last evaluated: 2025-02-16. Review status: criteria provided, single submitter. Criteria: ACMG Guidelines, 2015. Collection method: clinical testing. Allele origin: germline. Affected: yes.

Blueprint Genetics
Classification: Likely benign. Last evaluated: 2024-09-30. Review status: criteria provided, single submitter. Criteria: ACMG Guidelines, 2015. Collection method: clinical testing. Allele origin: germline.

All of Us Research Program, National Institutes of Health
Classification: Uncertain significance for Hypertrophic cardiomyopathy. Last evaluated: 2024-09-27. Review status: criteria provided, single submitter. Criteria: ACMG Guidelines, 2015. Collection method: clinical testing. Allele origin: germline. Inheritance: Autosomal dominant inheritance. Observed: 65 variant alleles, 65 heterozygotes.
Comment: This missense variant replaces threonine with isoleucine at codon 958 of the MYBPC3 protein. Computational prediction tools indicate that this variant has a neutral impact on protein structure and function. To our knowledge, functional studies have not been reported for this variant. This variant has been reported in individuals affected with hypertrophic cardiomyopathy (PMID: 15823648, 18957093, 24793961, 25078086, 27532257, 33495597). This variant has been observed in one infant affected with hypertrophic cardiomyopathy, whose unaffected parent also carried this variant, as well as in one adult who also carried a pathogenic MYBPC3 variant in cis (ClinVar SCV000059185.5). This variant has been identified in 43/265618 chromosomes in the general population by the Genome Aggregation Database (gnomAD), including one homozygous individual. The available evidence is insufficient to determine the role of this variant in disease conclusively. Therefore, this variant is classified as a Variant of Uncertain Significance.

This study involves interpretation of variants in research participants for the purpose of population health screening. Participant phenotype was not available at the time of variant classification. Additional details can be found in publication PMID: 35346344, PMCID: PMC8962531

ARUP Laboratories, Molecular Genetics and Genomics, ARUP Laboratories
Classification: Uncertain significance. Last evaluated: 2024-08-09. Review status: criteria provided, single submitter. Criteria: ARUP Molecular Germline Variant Investigation Process 2024. Collection method: clinical testing. Allele origin: germline.
Comment: The MYBPC3 c.2873C>T; p.Thr958Ile variant (rs376504548, ClinVar Variation ID: 42664) is reported in the literature in individuals affected with dilated and/or hypertrophic cardiomyopathy (Adalsteinsdottir 2014, Dal Ferro 2017, Kabaeva 2005, McGurk 2023, Ng 2013, Stava 2022, Sepp 2022, Walsh 2017). This variant is found in the general population with an overall allele frequency of 0.016% (43/265,618 alleles, including 1 homozygote) in the Genome Aggregation Database (v2.1.1). Computational analyses are uncertain whether this variant is neutral or deleterious (REVEL: 0.193). However, given the limited clinical data and lack of functional data, the significance of this variant is uncertain at this time. References: Adalsteinsdottir B et al. Nationwide study on hypertrophic cardiomyopathy in Iceland: evidence of a MYBPC3 founder mutation. Circulation. 2014 Sep 30;130(14):1158-67. PMID: 25078086. Dal Ferro M et al. Association between mutation status and left ventricular reverse remodelling in dilated cardiomyopathy. Heart. 2017 Nov;103(21):1704-1710. PMID: 28416588. Kabaeva Z et al. Returning hypertrophy after surgery in a patient with hypertrophic cardiomyopathy caused by a myosin-binding protein C mutation. Int J Cardiol. 2005 Apr 20;100(2):343-5. PMID: 15823648. McGurk KA et al. The penetrance of rare variants in cardiomyopathy-associated genes: A cross-sectional approach to estimating penetrance for secondary findings. Am J Hum Genet. 2023 Sep 7;110(9):1482-1495. PMID: 37652022. Ng D et al. Interpreting secondary cardiac disease variants in an exome cohort. Circ Cardiovasc Genet. 2013 Aug;6(4):337-46. PMID: 23861362. Stava TT et al. Molecular genetics in 4408 cardiomyopathy probands and 3008 relatives in Norway: 17 years of genetic testing in a national laboratory. Eur J Prev Cardiol. 2022 Oct 18;29(13):1789-1799. PMID: 35653365. Sepp R et al. The Genetic Architecture of Hypertrophic Cardiomyopathy in Hungary: Analysis of 242 Patients with a Panel of 98 Genes. Diagnostics (Basel). 2022 May 3;12(5):1132. PMID: 35626289. Walsh R et al. Reassessment of Mendelian gene pathogenicity using 7,855 cardiomyopathy cases and 60,706 reference samples. Genet Med. 2017 Feb;19(2):192-203. PMID: 27532257.

Color Diagnostics, LLC DBA Color Health
Classification: Uncertain significance for Cardiomyopathy. Last evaluated: 2023-12-21. Review status: criteria provided, single submitter. Criteria: ACMG Guidelines, 2015. Collection method: clinical testing. Allele origin: germline.
Comment: This missense variant replaces threonine with isoleucine at codon 958 of the MYBPC3 protein. Computational prediction tools indicate that this variant has a neutral impact on protein structure and function. To our knowledge, functional studies have not been reported for this variant. This variant has been reported in individuals affected with hypertrophic cardiomyopathy (PMID: 15823648, 18957093, 24793961, 25078086, 27532257, 33495597). This variant has been observed in one infant affected with hypertrophic cardiomyopathy, whose unaffected parent also carried this variant, as well as in one adult who also carried a pathogenic MYBPC3 variant in cis (ClinVar SCV000059185.5). This variant has been identified in 43/265618 chromosomes in the general population by the Genome Aggregation Database (gnomAD), including one homozygous individual. The available evidence is insufficient to determine the role of this variant in disease conclusively. Therefore, this variant is classified as a Variant of Uncertain Significance.

Ambry Genetics
Classification: Uncertain significance for Cardiovascular phenotype. Last evaluated: 2022-09-09. Review status: criteria provided, single submitter. Criteria: Ambry Variant Classification Scheme 2023. Collection method: clinical testing. Allele origin: germline.

CeGaT Center for Human Genetics Tuebingen
Classification: Likely benign. Last evaluated: 2022-06-01. Review status: criteria provided, single submitter. Criteria: CeGaT Center For Human Genetics Tuebingen Variant Classification Criteria Version 2. Collection method: clinical testing. Allele origin: germline. Affected: yes. Observed: 1 variant allele.
Comment: MYBPC3: BP4

GeneDx
Classification: Likely benign. Last evaluated: 2019-01-07. Review status: criteria provided, single submitter. Criteria: GeneDx Variant Classification Process June 2021. Collection method: clinical testing. Allele origin: germline. Affected: yes.
Comment: This variant is associated with the following publications: (PMID: 25078086, 21415409, 15823648, 18957093, 29247119, 23861362, 23299917, 25637381, 22958901, 27532257, 24793961, 28416588, 28518168)

CHEO Genetics Diagnostic Laboratory, Children's Hospital of Eastern Ontario
Classification: Likely benign for Cardiomyopathy. Last evaluated: 2018-12-07. Review status: criteria provided, single submitter. Criteria: ACMG Guidelines, 2015. Collection method: clinical testing. Allele origin: germline.

NM_000256.3(MYBPC3):c.2873C>T (p.Thr958Ile)

Gene: MYBPC3 (myosin binding protein C3; minus strand). Cytogenetic location: 11p11.2.
Variant type: single nucleotide variant.
Coding change: c.2873C>T on transcript NM_000256.3 (MANE Select); coding-DNA position 2873, C replaced by T.
Protein change: p.Thr958Ile; replaces threonine 958 with isoleucine.
Molecular consequence: missense variant.
Genome position (GRCh38, 1-based): chr11:47,335,074, G>A on the plus strand (C>T on the coding strand, the complement: MYBPC3 is on the minus strand). VCF-style: chr11-47335074-G-A. GRCh37 (hg19) VCF-style: chr11-47356625-G-A.
Other names: p.T958I:ACC>ATC; short protein forms T958I.
Identifiers: ClinVar variation 42664 (VCV000042664.77), dbSNP rs376504548, ClinGen allele CA013088.